The following is an entry in ClinVar:

ClinVar aggregate classification (germline): Uncertain significance (1 of 4 stars; one submission).

gnomAD v4.1: 1 of 1,610,158 alleles (0.000062%); highest among the groups gnomAD compares: Non-Finnish European, 0.000085%; no homozygotes.

Submission:

Dasa
Classification: Uncertain significance. Last evaluated: 2025-07-13. Review status: criteria provided, single submitter. Criteria: DASA Assertion Criteria. Collection method: clinical testing. Allele origin: germline.
Comment: NM_001270.4(CHD1):c.587G>C (p.Arg196Thr) is a missense variant that results in the substitution of arginine with threonine. This variant is rare in population databases. Computational prediction algorithms are consistent with a benign effect. The currently available literature and clinical evidence are not sufficient to establish a definitive association between this variant and the reported condition. Therefore, this variant is classified as a variant of uncertain significance.

NM_001270.4(CHD1):c.587G>C (p.Arg196Thr)

Gene: CHD1 (chromodomain helicase DNA binding protein 1; minus strand). Cytogenetic location: 5q21.1.
Variant type: single nucleotide variant.
Coding change: c.587G>C on transcript NM_001270.4 (MANE Select); coding-DNA position 587, G replaced by C.
Protein change: p.Arg196Thr; replaces arginine 196 with threonine.
Molecular consequence: missense variant. On other transcripts: non-coding transcript variant (2).
Genome position (GRCh38, 1-based): chr5:98,901,186, C>G on the plus strand (G>C on the coding strand, the complement: CHD1 is on the minus strand). VCF-style: chr5-98901186-C-G. GRCh37 (hg19) VCF-style: chr5-98236890-C-G.
Other names: c.587G>C, p.Arg196Thr (NM_001364113.3, NM_001376194.2); short protein forms R196T.
Identifiers: ClinVar variation 4886741 (VCV004886741.2).